The following is an entry in ClinVar:

ClinVar aggregate classification (germline): Uncertain significance (1 of 4 stars; one submission).

Submission:

GeneDx
Classification: Uncertain significance. Last evaluated: 2024-04-03. Review status: criteria provided, single submitter. Criteria: GeneDx Variant Classification Process June 2021. Collection method: clinical testing. Allele origin: germline. Affected: yes.
Comment: Not observed at significant frequency in large population cohorts (gnomAD); In silico analysis supports that this missense variant has a deleterious effect on protein structure/function; Has not been previously published as pathogenic or benign to our knowledge

NM_002637.4(PHKA1):c.1271A>G (p.Asp424Gly)

Gene: PHKA1 (phosphorylase kinase regulatory subunit alpha 1; minus strand). Cytogenetic location: Xq13.1.
Variant type: single nucleotide variant.
Coding change: c.1271A>G on transcript NM_002637.4 (MANE Select); coding-DNA position 1271, A replaced by G.
Protein change: p.Asp424Gly; replaces aspartic acid 424 with glycine.
Molecular consequence: missense variant.
Genome position (GRCh38, 1-based): chrX:72,650,443, T>C on the plus strand (A>G on the coding strand, the complement: PHKA1 is on the minus strand). VCF-style: chrX-72650443-T-C. GRCh37 (hg19) VCF-style: chrX-71870293-T-C.
Other names: c.1271A>G, p.Asp424Gly (NM_001122670.2, NM_001172436.2, NM_001431068.1); short protein forms D424G.
Identifiers: ClinVar variation 3371876 (VCV003371876.1).
Genomic context (GRCh38, chrX:72,650,443, plus strand): 5'-TACATACCTTGAACCACAACATCGGGCTTCGGTACAGTAGAAAACCTGCGATTCAGGGGA[T>C]CAATTTCTCCAGGGGCTAAAAATCCCTAAAGAAAAACCATAAAAAGACAGATTATTAAGT-3'
Protein context (NP_002628.2, residues 414-434): AEGFLAPGEI[Asp424Gly]PLNRRFSTVP